The following is an entry in ClinVar:

ClinVar aggregate classification (germline): Conflicting classifications of pathogenicity. Review status: criteria provided, conflicting classifications (1 of 4 stars). 7 submissions from 7 submitters: Uncertain significance (4); Benign (1); Likely benign (2). Last evaluated 2026-03-18.

Conditions:
CTRC-related disorder. Also called: CTRC-related condition.
Hereditary pancreatitis (PCTT). Also called: Hereditary chronic pancreatitis; PRSS1-Related Hereditary Pancreatitis. Identifiers: Orphanet 676, MedGen C0238339, MONDO:0008185, OMIM 167800.

Allele frequency attached by ClinVar (database versions not stated): 1000 Genomes Project 0.00100; 1000 Genomes Project 30x 0.00125; TOPMed 0.00214; gnomAD exomes 0.00217; ESP Exome Variant Server 0.00263.

Submissions (7):

PreventionGenetics, part of Exact Sciences
Classification: Uncertain significance for CTRC-related condition. Last evaluated: 2026-03-18. Review status: criteria provided, single submitter. Criteria: ACMG Guidelines, 2015. Collection method: clinical testing. Allele origin: germline.
Comment: The CTRC c.-59C>T variant is located in the 5' untranslated region. This variant has been reported in four individuals with idiopathic chronic pancreatitis, one individual with familial chronic pancreatitis, and one individual with hereditary pancreatitis but was also found in two controls (Table 4, Masson et al. 2008. PubMed ID: 18172691). This variant has also been reported in two individuals with unexplained pancreatitis, although one individual also carried a CFTR variant (Supplementary Table, Ballard et al. 2015. PubMed ID: 25251442). This variant is reported in 0.34% of alleles in individuals of European (Non-Finnish) descent in gnomAD, including one homozygous individual, and has conflicting interpretations regarding its pathogenicity in ClinVar, ranging from benign to uncertain (Variation ID: 240761). At this time, the clinical significance of this variant is uncertain due to the absence of conclusive functional and genetic evidence.

Labcorp Genetics (formerly Invitae), Labcorp
Classification: Benign for Hereditary pancreatitis. Last evaluated: 2025-10-27. Review status: criteria provided, single submitter. Criteria: Invitae Variant Classification Sherloc (09022015). Collection method: clinical testing. Allele origin: germline.

ARUP Laboratories, Molecular Genetics and Genomics, ARUP Laboratories
Classification: Uncertain significance for Hereditary pancreatitis. Last evaluated: 2025-05-21. Review status: criteria provided, single submitter. Criteria: ARUP Molecular Germline Variant Investigation Process 2024. Collection method: clinical testing. Allele origin: germline.
Comment: The CTRC c.-59C>T variant (rs183658182) has been reported in pancreatitis patients (Ballard 2015, Litvinova 2023, Masson 2008), but not at a significantly higher frequency compared to unaffected individuals. It is listed in ClinVar (Variation ID: 240761) and is found in the non-Finnish European population with an overall allele frequency of 0.34% (52/15428 alleles) in the Genome Aggregation Database (v2.1.1). This variant occurs in the 5' untranslated region and does not create a novel protein translation start codon. However, due to limited information, the clinical significance of the c.-59C>T variant is uncertain at this time. References: Ballard DD et al. Evaluating Adults With Idiopathic Pancreatitis for Genetic Predisposition: Higher Prevalence of Abnormal Results With Use of Complete Gene Sequencing. Pancreas. 2015 Jan;44(1):116-21. PMID: 25251442. Litvinova MM, et al. Spectrum of PRSS1, SPINK1, CTRC, CFTR, and CPA1 Gene Variants in Chronic Pancreatitis Patients in Russia. Sovrem Tekhnologii Med. 2023;15(2):60-70. PMID: 37389024. Masson E et al. Association of rare chymotrypsinogen C (CTRC) gene variations in patients with idiopathic chronic pancreatitis. Hum Genet. 2008 Feb;123(1):83-91. PMID: 18172691.

CeGaT Center for Human Genetics Tuebingen
Classification: Likely benign. Last evaluated: 2025-03-01. Review status: criteria provided, single submitter. Criteria: CeGaT Center For Human Genetics Tuebingen Variant Classification Criteria Version 2. Collection method: clinical testing. Allele origin: germline. Affected: yes. Observed: 1 variant allele.
Comment: CTRC: BS1

Fulgent Genetics
Classification: Uncertain significance for Hereditary pancreatitis. Last evaluated: 2021-12-06. Review status: criteria provided, single submitter. Criteria: ACMG Guidelines, 2015. Collection method: clinical testing. Allele origin: unknown.

Ambry Genetics
Classification: Likely benign for Hereditary pancreatitis. Last evaluated: 2018-09-24. Review status: criteria provided, single submitter. Criteria: Ambry Variant Classification Scheme 2023. Collection method: clinical testing. Allele origin: germline.

Breakthrough Genomics
Classification: Uncertain significance. Review status: criteria provided, single submitter. Criteria: ACMG Guidelines, 2015. Collection method: not provided. Allele origin: germline. Inheritance: Autosomal dominant inheritance. Affected: yes.

Literature cited by the submitters: PubMed 18172691 (cited by Ambry Genetics).

NM_007272.3(CTRC):c.-59C>T

Gene: CTRC (chymotrypsin C; plus strand). Cytogenetic location: 1p36.21.
Variant type: single nucleotide variant.
Coding change: c.-59C>T on transcript NM_007272.3 (MANE Select); 59 bases upstream of the start codon, C replaced by T.
Genome position (GRCh38, 1-based): chr1:15,438,406, C>T. VCF-style: chr1-15438406-C-T. GRCh37 (hg19) VCF-style: chr1-15764902-C-T.
Identifiers: ClinVar variation 240761 (VCV000240761.34), dbSNP rs183658182, ClinGen allele CA10581725.